The following is an entry in ClinVar:

ClinVar aggregate classification (germline): Pathogenic/Likely pathogenic. Review status: criteria provided, multiple submitters, no conflicts (2 of 4 stars). 4 submissions from 4 submitters: Pathogenic (1); Likely pathogenic (3). Last evaluated 2026-01-16.

Conditions:
NPC1-related disorder. Also called: NPC1-related condition.
Niemann-Pick disease, type C1. Also called: NIEMANN-PICK DISEASE, VARIANT TYPE C1; NEUROVISCERAL STORAGE DISEASE WITH VERTICAL SUPRANUCLEAR OPHTHALMOPLEGIA; NIEMANN-PICK DISEASE WITH CHOLESTEROL ESTERIFICATION BLOCK; NIEMANN-PICK DISEASE WITHOUT SPHINGOMYELINASE DEFICIENCY; NIEMANN-PICK DISEASE, CHRONIC NEURONOPATHIC FORM. Identifiers: Orphanet 646, MedGen C3179455, MONDO:0009757, OMIM 257220.

Allele frequency attached by ClinVar (database versions not stated): gnomAD exomes below 0.00001; ExAC 0.00001.

Submissions (4):

Natera, Inc.
Classification: Likely pathogenic for Niemann-Pick disease type C1. Last evaluated: 2026-01-16. Review status: criteria provided, single submitter. Criteria: Natera Variant Classification Schema (03/2026). Collection method: clinical testing. Allele origin: germline.
Comment: The c.3044G>T variant in NPC1 is a missense variant predicted to cause substitution of glycine to valine at amino acid 1015. This variant is rare in the general population with a frequency below the threshold expected for the associated phenotype(s). This variant has been observed in one or more individuals affected with the associated recessive disease, as either homozygous or compound heterozygous with a second variant (PMID: 15774455, 38131230). Additionally, this variant has been observed to segregate in affected family members (PMID: 15774455). This variant has been identified in one or more affected individual with a phenotype highly consistent with the associated gene (PMID: 15774455). Computational prediction algorithms indicate this variant is likely to affect gene or protein function. Given the available evidence, this variant is classified as Likely Pathogenic.

Myriad Genetics, Inc.
Classification: Likely pathogenic for Niemann-Pick disease, type C1. Last evaluated: 2025-12-23. Review status: criteria provided, single submitter. Criteria: Myriad Autosomal Dominant, Autosomal Recessive and X-Linked Classification Criteria (2023). Collection method: clinical testing. Allele origin: unknown.
Comment: NM_000271.4(NPC1):c.3044G>T(G1015V) is a missense variant classified as likely pathogenic in the context of Niemann-Pick disease type C1. G1015V has been observed in cases with relevant disease (PMID: 15774455, 30690666, 38131230, Jin_2022_(Thesis)). Relevant functional assessments of this variant are available in the literature (PMID: 35190686). G1015V has been observed in referenced population frequency databases. In summary, NM_000271.4(NPC1):c.3044G>T(G1015V) is a missense variant that has functional support for pathogenicity and has been observed more frequently in cases with the relevant disease than in healthy populations. Please note: this variant was assessed in the context of healthy population screening.

Labcorp Genetics (formerly Invitae), Labcorp
Classification: Pathogenic for Niemann-Pick disease, type C1. Last evaluated: 2025-11-20. Review status: criteria provided, single submitter. Criteria: Invitae Variant Classification Sherloc (09022015). Collection method: clinical testing. Allele origin: germline.
Comment: This sequence change replaces glycine, which is neutral and non-polar, with valine, which is neutral and non-polar, at codon 1015 of the NPC1 protein (p.Gly1015Val). This variant is present in population databases (rs761773567, gnomAD 0.006%). This missense change has been observed in individual(s) with Niemann-Pick Type C (PMID: 15774455; internal data). In at least one individual the data is consistent with being in trans (on the opposite chromosome) from a pathogenic variant. ClinVar contains an entry for this variant (Variation ID: 1071316). An algorithm developed to predict the effect of missense changes on protein structure and function (PolyPhen-2) suggests that this variant is likely to be disruptive. This variant disrupts the p.Gly1015 amino acid residue in NPC1. Other variant(s) that disrupt this residue have been determined to be pathogenic (PMID: 32138288). This suggests that this residue is clinically significant, and that variants that disrupt this residue are likely to be disease-causing. For these reasons, this variant has been classified as Pathogenic.

PreventionGenetics, part of Exact Sciences
Classification: Likely pathogenic for NPC1-related condition. Last evaluated: 2024-10-18. Review status: criteria provided, single submitter. Criteria: ACMG Guidelines, 2015. Collection method: clinical testing. Allele origin: germline.
Comment: The NPC1 c.3044G>T variant is predicted to result in the amino acid substitution p.Gly1015Val. This variant has been reported in the compound heterozygous state in a family with juvenile-onset Niemann-Pick disease type C (OMIM: #257220; Yang et al. 2005. PubMed ID: 15774455). A different variant at the same amino acid residue (c.3044G>C p.Gly1015Ala) was also found in the compound heterozygous state in individuals with Niemann-Pick disease type C (Dardis et al. 2020. PubMed ID: 32138288). The c.3044G>T p.Gly1015Val variant is reported in 0.0054% of alleles in individuals of East Asian descent in gnomAD. This variant is interpreted as likely pathogenic.

Literature cited by the submitters: PubMed 15774455 (cited by Natera, Inc. and Labcorp Genetics (formerly Invitae), Labcorp); PubMed 38131230 (cited by Natera, Inc.); PubMed 35190686 (cited by Myriad Genetics, Inc.); PubMed 32138288 (cited by Labcorp Genetics (formerly Invitae), Labcorp).

NM_000271.5(NPC1):c.3044G>T (p.Gly1015Val)

Gene: NPC1 (NPC intracellular cholesterol transporter 1; minus strand). Cytogenetic location: 18q11.2.
Variant type: single nucleotide variant.
Coding change: c.3044G>T on transcript NM_000271.5 (MANE Select); coding-DNA position 3044, G replaced by T.
Protein change: p.Gly1015Val; replaces glycine 1015 with valine.
Molecular consequence: missense variant.
Genome position (GRCh38, 1-based): chr18:23,536,874, C>A on the plus strand (G>T on the coding strand, the complement: NPC1 is on the minus strand). VCF-style: chr18-23536874-C-A. GRCh37 (hg19) VCF-style: chr18-21116838-C-A.
Other names: c.3044G>T (NM_000271.4); short protein forms G1015V.
Identifiers: ClinVar variation 1071316 (VCV001071316.11), dbSNP rs761773567, ClinGen allele CA8912866.